The following is an entry in ClinVar:

NM_000785.4(CYP27B1):c.1190T>C (p.Val397Ala)

Gene: CYP27B1 (cytochrome P450 family 27 subfamily B member 1; minus strand). Cytogenetic location: 12q14.1.
Variant type: single nucleotide variant.
Coding change: c.1190T>C on transcript NM_000785.4 (MANE Select); coding-DNA position 1190, T replaced by C.
Protein change: p.Val397Ala; replaces valine 397 with alanine.
Molecular consequence: missense variant.
Genome position (GRCh38, 1-based): chr12:57,764,123, A>G on the plus strand (T>C on the coding strand, the complement: CYP27B1 is on the minus strand). VCF-style: chr12-57764123-A-G. GRCh37 (hg19) VCF-style: chr12-58157906-A-G.
Other names: short protein forms V397A.
Identifiers: ClinVar variation 1715412 (VCV001715412.4), dbSNP rs1352934523, ClinGen allele CA385502461.

ClinVar aggregate classification (germline): Uncertain significance (1 of 4 stars; one submission).

Allele frequency attached by ClinVar (database versions not stated): gnomAD 0.00001; gnomAD exomes 0.00001; TOPMed below 0.00001.
gnomAD v4.1: 8 of 1,613,790 alleles (0.0005%); highest among the groups gnomAD compares: African/African-American, 0.0013%; no homozygotes.

Submission:

Labcorp Genetics (formerly Invitae), Labcorp
Classification: Uncertain significance. Last evaluated: 2025-06-12. Review status: criteria provided, single submitter. Criteria: Invitae Variant Classification Sherloc (09022015). Collection method: clinical testing. Allele origin: germline.
Comment: This sequence change replaces valine, which is neutral and non-polar, with alanine, which is neutral and non-polar, at codon 397 of the CYP27B1 protein (p.Val397Ala). This variant is present in population databases (no rsID available, gnomAD 0.01%). This variant has not been reported in the literature in individuals affected with CYP27B1-related conditions. ClinVar contains an entry for this variant (Variation ID: 1715412). Invitae Evidence Modeling of protein sequence and biophysical properties (such as structural, functional, and spatial information, amino acid conservation, physicochemical variation, residue mobility, and thermodynamic stability) indicates that this missense variant is expected to disrupt CYP27B1 protein function with a positive predictive value of 80%. In summary, the available evidence is currently insufficient to determine the role of this variant in disease. Therefore, it has been classified as a Variant of Uncertain Significance.